The following is an entry in ClinVar:

ClinVar aggregate classification (germline): Uncertain significance (1 of 4 stars; one submission).

gnomAD v4.1: 1 of 1,614,190 alleles (0.000062%); highest among the groups gnomAD compares: Admixed American, 0.0017%; no homozygotes.

Submission:

Labcorp Genetics (formerly Invitae), Labcorp
Classification: Uncertain significance. Last evaluated: 2022-04-20. Review status: criteria provided, single submitter. Criteria: Invitae Variant Classification Sherloc (09022015). Collection method: clinical testing. Allele origin: germline.
Comment: In summary, the available evidence is currently insufficient to determine the role of this variant in disease. Therefore, it has been classified as a Variant of Uncertain Significance. Advanced modeling of protein sequence and biophysical properties (such as structural, functional, and spatial information, amino acid conservation, physicochemical variation, residue mobility, and thermodynamic stability) performed at Invitae indicates that this missense variant is not expected to disrupt SLC26A3 protein function. This variant has not been reported in the literature in individuals affected with SLC26A3-related conditions. This variant is present in population databases (no rsID available, gnomAD 0.003%). This sequence change replaces valine, which is neutral and non-polar, with alanine, which is neutral and non-polar, at codon 333 of the SLC26A3 protein (p.Val333Ala).

NM_000111.3(SLC26A3):c.998T>C (p.Val333Ala)

Gene: SLC26A3 (solute carrier family 26 member 3; minus strand). Cytogenetic location: 7q22.3.
Variant type: single nucleotide variant.
Coding change: c.998T>C on transcript NM_000111.3 (MANE Select); coding-DNA position 998, T replaced by C.
Protein change: p.Val333Ala; replaces valine 333 with alanine.
Molecular consequence: missense variant.
Genome position (GRCh38, 1-based): chr7:107,783,326, A>G on the plus strand (T>C on the coding strand, the complement: SLC26A3 is on the minus strand). VCF-style: chr7-107783326-A-G. GRCh37 (hg19) VCF-style: chr7-107423771-A-G.
Other names: short protein forms V333A.
Identifiers: ClinVar variation 2128531 (VCV002128531.4), dbSNP rs1262726188, ClinGen allele CA368852227.